The following is an entry in ClinVar:

NC_000008.10:g.(?_87226642)_(87242506_?)dup

Gene: SLC7A13 (solute carrier family 7 member 13; minus strand). Cytogenetic location: 8q21.3.
Variant type: Duplication.
Identifiers: ClinVar variation 2427272 (VCV002427272.4).

ClinVar aggregate classification (germline): Uncertain significance (1 of 4 stars; one submission).

Submission:

Labcorp Genetics (formerly Invitae), Labcorp
Classification: Uncertain significance. Last evaluated: 2024-01-22. Review status: criteria provided, single submitter. Criteria: Invitae Variant Classification Sherloc (09022015). Collection method: clinical testing. Allele origin: germline.
Comment: A copy number gain of the genomic region encompassing the full coding sequence of the SLC7A13 gene has been identified. The boundaries of this event are unknown as they extend beyond the assayed region for this gene and therefore may encompass additional genes. As the precise location of this event is unknown, it may be in tandem or it may be located elsewhere in the genome. This variant has not been reported in the literature in individuals affected with SLC7A13-related conditions. In summary, the available evidence is currently insufficient to determine the role of this variant in disease. Therefore, it has been classified as a Variant of Uncertain Significance.